The following is an entry in ClinVar:

NM_032578.4(MYPN):c.3593T>C (p.Met1198Thr)

Gene: MYPN (myopalladin; plus strand). Cytogenetic location: 10q21.3.
Variant type: single nucleotide variant.
Coding change: c.3593T>C on transcript NM_032578.4 (MANE Select); coding-DNA position 3593, T replaced by C.
Protein change: p.Met1198Thr; replaces methionine 1198 with threonine.
Molecular consequence: missense variant. On other transcripts: non-coding transcript variant (2).
Genome position (GRCh38, 1-based): chr10:68,201,928, T>C. VCF-style: chr10-68201928-T-C. GRCh37 (hg19) VCF-style: chr10-69961685-T-C.
Other names: p.Met1198Thr; c.3593T>C, p.Met1198Thr (NM_001256267.2); c.2711T>C, p.Met904Thr (NM_001256268.2); short protein forms M1198T, M904T.
Identifiers: ClinVar variation 518851 (VCV000518851.16), dbSNP rs755560876, ClinGen allele CA5523098.

ClinVar aggregate classification (germline): Uncertain significance. Review status: criteria provided, multiple submitters, no conflicts (2 of 4 stars). 3 submissions from 3 submitters: Uncertain significance (3). Last evaluated 2024-03-20.

Conditions:
Dilated cardiomyopathy 1KK (CMD1KK). Identifiers: Orphanet 154, Orphanet 75249, MedGen C3714995, MONDO:0014100, OMIM 615248.
Cardiovascular phenotype. Identifiers: MedGen CN230736.

Allele frequency attached by ClinVar (database versions not stated): gnomAD 0.00001; TOPMed 0.00002; gnomAD exomes 0.00003; ExAC 0.00005.

Submissions (3):

Mayo Clinic Laboratories, Mayo Clinic
Classification: Uncertain significance. Last evaluated: 2024-03-20. Review status: criteria provided, single submitter. Criteria: ACMG Guidelines, 2015. Collection method: clinical testing. Allele origin: germline. Observed: 1 variant allele.

Ambry Genetics
Classification: Uncertain significance for Cardiovascular phenotype. Last evaluated: 2022-12-04. Review status: criteria provided, single submitter. Criteria: Ambry Variant Classification Scheme 2023. Collection method: clinical testing. Allele origin: germline.
Comment: The p.M1198T variant (also known as c.3593T>C), located in coding exon 17 of the MYPN gene, results from a T to C substitution at nucleotide position 3593. The methionine at codon 1198 is replaced by threonine, an amino acid with similar properties. This amino acid position is highly conserved in available vertebrate species. In addition, this alteration is predicted to be deleterious by in silico analysis. Since supporting evidence is limited at this time, the clinical significance of this alteration remains unclear.

Labcorp Genetics (formerly Invitae), Labcorp
Classification: Uncertain significance for Dilated cardiomyopathy 1KK. Last evaluated: 2019-04-24. Review status: criteria provided, single submitter. Criteria: Invitae Variant Classification Sherloc (09022015). Collection method: clinical testing. Allele origin: germline.
Comment: In summary, the available evidence is currently insufficient to determine the role of this variant in disease. Therefore, it has been classified as a Variant of Uncertain Significance. This sequence change replaces methionine with threonine at codon 1198 of the MYPN protein (p.Met1198Thr). The methionine residue is highly conserved and there is a moderate physicochemical difference between methionine and threonine. This variant is present in population databases (rs755560876, ExAC 0.009%). This variant has not been reported in the literature in individuals with MYPN-related conditions. ClinVar contains an entry for this variant (Variation ID: 518851). Algorithms developed to predict the effect of missense changes on protein structure and function are either unavailable or do not agree on the potential impact of this missense change (SIFT: "Tolerated"; PolyPhen-2: "Possibly Damaging"; Align-GVGD: "Class C0").